The following is an entry in ClinVar:

ClinVar aggregate classification (germline): Conflicting classifications of pathogenicity. Review status: criteria provided, conflicting classifications (1 of 4 stars). 2 submissions from 2 submitters: Likely pathogenic (1); Uncertain significance (1). Last evaluated 2026-04-01.

Submissions (2):

CeGaT Center for Human Genetics Tuebingen
Classification: Uncertain significance. Last evaluated: 2026-04-01. Review status: criteria provided, single submitter. Criteria: CeGaT Center For Human Genetics Tuebingen Variant Classification Criteria Version 2. Collection method: clinical testing. Allele origin: germline. Affected: yes. Observed: 1 variant allele.
Comment: DYNC1H1: PM2, PP2

GeneDx
Classification: Likely pathogenic. Last evaluated: 2018-06-06. Review status: criteria provided, single submitter. Criteria: GeneDx Variant Classification (06012015). Collection method: clinical testing. Allele origin: germline. Affected: yes.
Comment: The K1581E variant in the DYNC1H1 gene has not been reported previously as a pathogenic variant, nor as a benign variant, to our knowledge. The K1581E variant was not observed in approximately 6,500 individuals of European and African American ancestry in the NHLBI Exome Sequencing Project, indicating it is not a common benign variant in these populations. The K1581E variant is a non-conservative amino acid substitution, which is likely to impact secondary protein structure as these residues differ in polarity, charge, size and/or other properties. This substitution occurs at a position that is conserved across species. In silico analysis is inconsistent in its predictions as to whether or not the variant is damaging to the protein structure/function. The K1581E variant is a strong candidate for a pathogenic variant. However, the possibility it may be a rare benign variant cannot be excluded.

NM_001376.5(DYNC1H1):c.4741A>G (p.Lys1581Glu)

Gene: DYNC1H1 (dynein cytoplasmic 1 heavy chain 1; plus strand). Cytogenetic location: 14q32.31.
Variant type: single nucleotide variant.
Coding change: c.4741A>G on transcript NM_001376.5 (MANE Select); coding-DNA position 4741, A replaced by G.
Protein change: p.Lys1581Glu; replaces lysine 1581 with glutamic acid.
Molecular consequence: missense variant.
Genome position (GRCh38, 1-based): chr14:102,002,823, A>G. VCF-style: chr14-102002823-A-G. GRCh37 (hg19) VCF-style: chr14-102469160-A-G.
Other names: short protein forms K1581E.
Identifiers: ClinVar variation 246128 (VCV000246128.4), dbSNP rs879254112, ClinGen allele CA10584463.